The following is an entry in ClinVar:

NM_000090.4(COL3A1):c.3374G>A (p.Gly1125Asp)

Gene: COL3A1 (collagen type III alpha 1 chain; plus strand). Cytogenetic location: 2q32.2.
Variant type: single nucleotide variant.
Coding change: c.3374G>A on transcript NM_000090.4 (MANE Select); coding-DNA position 3374, G replaced by A.
Protein change: p.Gly1125Asp; replaces glycine 1125 with aspartic acid.
Molecular consequence: missense variant.
Genome position (GRCh38, 1-based): chr2:189,007,895, G>A. VCF-style: chr2-189007895-G-A. GRCh37 (hg19) VCF-style: chr2-189872621-G-A.
Other names: short protein forms G1125D.
Identifiers: ClinVar variation 1730760 (VCV001730760.2), dbSNP rs2469162978, ClinGen allele CA349846047.

ClinVar aggregate classification (germline): Likely pathogenic (1 of 4 stars; one submission).

Conditions:
Familial thoracic aortic aneurysm and aortic dissection (TAAD). Also called: Thoracic aortic aneurysms and dissections. Identifiers: Orphanet 91387, MedGen C4707243, MONDO:0019625.

Submission:

Ambry Genetics
Classification: Likely pathogenic for Familial thoracic aortic aneurysm and aortic dissection. Last evaluated: 2022-09-28. Review status: criteria provided, single submitter. Criteria: Ambry Variant Classification Scheme 2023. Collection method: clinical testing. Allele origin: germline.
Comment: The p.G1125D variant (also known as c.3374G>A), located in coding exon 46 of the COL3A1 gene, results from a G to A substitution at nucleotide position 3374. The glycine at codon 1125 is replaced by aspartic acid, an amino acid with similar properties. The majority (approximately two-thirds) of COL3A1 mutations identified to date have involved the substitution of another amino acid for glycine within the triple-helical domain (Pepin MG et al. Genet Med. 2014;16(12):881-8; Frank M et al. Eur J Hum Genet. 2015;23(12):1657-64). Internal structural analysis indicates that this alteration disrupts the characteristic G-X-Y motif in the COL3A1 protein and inserts a bulky side chain into a sterically-constrained region (Bella J et al. Science. 1994;266:75-81; Hohenester E et al. Proc. Natl. Acad. Sci. U.S.A. 2008;105:18273-7; Ambry internal data). This variant is considered to be rare based on population cohorts in the Genome Aggregation Database (gnomAD). This amino acid position is highly conserved in available vertebrate species. In addition, this alteration is predicted to be deleterious by in silico analysis. Based on the majority of available evidence to date, this variant is likely to be pathogenic.